The following is an entry in ClinVar:

NM_001044385.3(TMEM237):c.80-18dup

Gene: TMEM237 (transmembrane protein 237; minus strand). Cytogenetic location: 2q33.1.
Variant type: Duplication.
Coding change: c.80-18dup on transcript NM_001044385.3 (MANE Select); 18 bases into the intron before coding-DNA position 80, one base duplicated (T; older notation c.80-18dupT).
Molecular consequence: intron variant.
Genome position (GRCh38, 1-based): chr2:201,639,058, A duplicated on the plus strand (T on the coding strand, the reverse complement: TMEM237 is on the minus strand); the first of 6 consecutive A bases (chr2:201,639,058-201,639,063); duplicating any one gives the same sequence. VCF-style (leftmost placement, unchanged base first): chr2-201639057-G-GA. GRCh37 (hg19) VCF-style: chr2-202503780-G-GA.
Other names: c.80-13dup (NM_001044385.3); c.56-18dup (NM_152388.4).
Identifiers: ClinVar variation 1167762 (VCV001167762.37), dbSNP rs747217784, ClinGen allele CA2056588.
Genomic context (GRCh38, chr2:201,639,057, plus strand): 5'-TTTTTTGTTCTGGGCTTCTTTTTCTTAGGACGACTAAGTGGAATATCATCTATAAAGCAA[G>GA]AAAAAACGTCAACAGAAAAGGGTGCCTAAAATTCAATGCAGAGAACAGTCAGAAGAGAAC-3'

ClinVar aggregate classification (germline): Benign/Likely benign. Review status: criteria provided, multiple submitters, no conflicts (2 of 4 stars). 5 submissions from 5 submitters: Benign (1); Likely benign (4). Last evaluated 2026-01-28.

Conditions:
Joubert syndrome 14 (JBTS14). Identifiers: MedGen C3280766, MONDO:0013745, OMIM 614424.

Submissions (5):

Labcorp Genetics (formerly Invitae), Labcorp
Classification: Benign for Joubert syndrome 14. Last evaluated: 2026-01-28. Review status: criteria provided, single submitter. Criteria: Invitae Variant Classification Sherloc (09022015). Collection method: clinical testing. Allele origin: germline.

CeGaT Center for Human Genetics Tuebingen
Classification: Likely benign. Last evaluated: 2026-01-01. Review status: criteria provided, single submitter. Criteria: CeGaT Center For Human Genetics Tuebingen Variant Classification Criteria Version 2. Collection method: clinical testing. Allele origin: germline. Affected: yes. Observed: 4 variant alleles.
Comment: TMEM237: BP4

Blueprint Genetics
Classification: Likely benign. Last evaluated: 2024-10-18. Review status: criteria provided, single submitter. Criteria: ACMG Guidelines, 2015. Collection method: clinical testing. Allele origin: germline.

Fulgent Genetics
Classification: Likely benign for Joubert syndrome 14. Last evaluated: 2022-01-03. Review status: criteria provided, single submitter. Criteria: ACMG Guidelines, 2015. Collection method: clinical testing. Allele origin: unknown.

GeneDx
Classification: Likely benign. Last evaluated: 2020-09-30. Review status: criteria provided, single submitter. Criteria: GeneDx Variant Classification Process June 2021. Collection method: clinical testing. Allele origin: germline. Affected: yes.